The following is an entry in ClinVar:

ClinVar aggregate classification (germline): Uncertain significance (1 of 4 stars; one submission).

Conditions:
Muscle AMP deaminase deficiency (MMDD). Also called: Adenosine monophosphate deaminase 1 deficiency; AMP deaminase 1 deficiency; Adenosine Monophosphate Deaminase 1; AMPD1 DEFICIENCY; ADENOSINE MONOPHOSPHATE DEAMINASE-1 DEFICIENCY, MYOPATHY DUE TO; Myoadenylate deaminase deficiency, myopathy due to. Identifiers: Orphanet 45, MedGen C3714933, MONDO:0014220, OMIM 615511.

gnomAD v4.1: 26 of 1,614,114 alleles (0.0016%); highest among the groups gnomAD compares: Middle Eastern, 0.23%; 2 homozygotes.

Submission:

Labcorp Genetics (formerly Invitae), Labcorp
Classification: Uncertain significance for Muscle AMP deaminase deficiency. Last evaluated: 2024-11-25. Review status: criteria provided, single submitter. Criteria: Invitae Variant Classification Sherloc (09022015). Collection method: clinical testing. Allele origin: germline.
Comment: This sequence change replaces aspartic acid, which is acidic and polar, with glycine, which is neutral and non-polar, at codon 64 of the AMPD1 protein (p.Asp64Gly). This variant is present in population databases (rs201837665, gnomAD no frequency). This variant has not been reported in the literature in individuals affected with AMPD1-related conditions. ClinVar contains an entry for this variant (Variation ID: 1416328). An algorithm developed to predict the effect of missense changes on protein structure and function (PolyPhen-2) suggests that this variant¬†is likely to be tolerated. In summary, the available evidence is currently insufficient to determine the role of this variant in disease. Therefore, it has been classified as a Variant of Uncertain Significance.

NM_000036.3(AMPD1):c.92A>G (p.Asp31Gly)

Gene: AMPD1 (adenosine monophosphate deaminase 1; minus strand). Cytogenetic location: 1p13.2.
Variant type: single nucleotide variant.
Coding change: c.92A>G on transcript NM_000036.3 (MANE Select); coding-DNA position 92, A replaced by G.
Protein change: p.Asp31Gly; replaces aspartic acid 31 with glycine.
Molecular consequence: missense variant.
Genome position (GRCh38, 1-based): chr1:114,688,684, T>C on the plus strand (A>G on the coding strand, the complement: AMPD1 is on the minus strand). VCF-style: chr1-114688684-T-C. GRCh37 (hg19) VCF-style: chr1-115231305-T-C.
Other names: c.80A>G, p.Asp27Gly (NM_001172626.2); short protein forms D31G, D27G.
Identifiers: ClinVar variation 1416328 (VCV001416328.7), dbSNP rs201837665, ClinGen allele CA29028838.